The following is an entry in ClinVar:

NM_000059.4(BRCA2):c.632-567GT[10]

Gene: BRCA2 (BRCA2 DNA repair associated; plus strand). Cytogenetic location: 13q13.1.
Variant type: Microsatellite.
Coding change: c.632-567GT[10] on transcript NM_000059.4 (MANE Select); ten copies in a row of the 2-base unit GT starting at c.632-567; the reference has nine copies in a row; one copy, 2 bases duplicated.
Molecular consequence: intron variant.
Genome position (GRCh38, 1-based): chr13:32,328,892-32,328,893, GT duplicated; duplicating any 2 consecutive bases within chr13:32,328,876-32,328,893 gives the same sequence; the position shown is the placement nearest the transcript's 3' end. VCF-style (leftmost placement, unchanged base first): chr13-32328875-A-AGT. GRCh37 (hg19) VCF-style: chr13-32903012-A-AGT.
Other names: c.632-551_632-550dup (NM_000059.3).
Identifiers: ClinVar variation 264864 (VCV000264864.1), dbSNP rs397843915, ClinGen allele CA10588084.

ClinVar aggregate classification (germline): Benign (3 of 4 stars; one submission).

Conditions:
Breast-ovarian cancer, familial, susceptibility to, 2 (BROVCA2). Also called: BRCA2 Hereditary Breast and Ovarian Cancer. Identifiers: Orphanet 145, MedGen C2675520, MONDO:0012933, OMIM 612555. Disease mechanism: loss of function.

Submission:

Evidence-based Network for the Interpretation of Germline Mutant Alleles (ENIGMA)
Classification: Benign for Breast-ovarian cancer, familial, susceptibility to, 2. Last evaluated: 2016-09-28. Review status: reviewed by expert panel. Criteria: ENIGMA BRCA1/2 Classification Criteria (2015). Collection method: curation. Allele origin: germline.
Comment: Class 1 not pathogenic based on frequency >1% in an outbred sampleset. Frequency 0.1968 (European), 0.059 (African), 0.0879 (Admixed American/Latino), 0.1528 (East Asian), 0.1227 (South Asian), derived from 1000 genomes (2013-05-02).